The following is an entry in ClinVar:

ClinVar aggregate classification (germline): Pathogenic (1 of 4 stars; one submission).

Conditions:
Immunodeficiency, common variable, 7. Identifiers: Orphanet 1572, Orphanet 696894, MedGen C3542922, MONDO:0013862, OMIM 614699.

Submission:

Labcorp Genetics (formerly Invitae), Labcorp
Classification: Pathogenic for Immunodeficiency, common variable, 7. Last evaluated: 2022-07-26. Review status: criteria provided, single submitter. Criteria: Invitae Variant Classification Sherloc (09022015). Collection method: clinical testing. Allele origin: germline.
Comment: For these reasons, this variant has been classified as Pathogenic. Algorithms developed to predict the effect of sequence changes on RNA splicing suggest that this variant may create or strengthen a splice site. This variant has not been reported in the literature in individuals affected with CR2-related conditions. This variant is not present in population databases (gnomAD no frequency). This sequence change creates a premature translational stop signal (p.Tyr748*) in the CR2 gene. It is expected to result in an absent or disrupted protein product. Loss-of-function variants in CR2 are known to be pathogenic (PMID: 26325596, 28499783).

Literature cited by the submitters: PubMed 26325596; PubMed 28499783.

NM_001006658.3(CR2):c.2244C>A (p.Tyr748Ter)

Gene: CR2 (complement C3d receptor 2; plus strand). Cytogenetic location: 1q32.2.
Variant type: single nucleotide variant.
Coding change: c.2244C>A on transcript NM_001006658.3 (MANE Select); coding-DNA position 2244, C replaced by A.
Protein change: p.Tyr748Ter; replaces tyrosine 748 with a stop codon.
Molecular consequence: nonsense.
Genome position (GRCh38, 1-based): chr1:207,474,244, C>A. VCF-style: chr1-207474244-C-A. GRCh37 (hg19) VCF-style: chr1-207647589-C-A.
Other names: c.2067C>A, p.Tyr689Ter (NM_001877.5); short protein forms Y748*, Y689*.
Identifiers: ClinVar variation 1903089 (VCV001903089.5), dbSNP rs2527225441, ClinGen allele CA344536647.